The following is an entry in ClinVar:

NM_020433.5(JPH2):c.674C>T (p.Ala225Val)

Gene: JPH2 (junctophilin 2; minus strand). Cytogenetic location: 20q13.12.
Variant type: single nucleotide variant.
Coding change: c.674C>T on transcript NM_020433.5 (MANE Select); coding-DNA position 674, C replaced by T.
Protein change: p.Ala225Val; replaces alanine 225 with valine.
Molecular consequence: missense variant.
Genome position (GRCh38, 1-based): chr20:44,160,113, G>A on the plus strand (C>T on the coding strand, the complement: JPH2 is on the minus strand). VCF-style: chr20-44160113-G-A. GRCh37 (hg19) VCF-style: chr20-42788753-G-A.
Other names: short protein forms A225V.
Identifiers: ClinVar variation 3253081 (VCV003253081.1), dbSNP rs2515744886.

ClinVar aggregate classification (germline): Uncertain significance (1 of 4 stars; one submission).

Submission:

GeneDx
Classification: Uncertain significance. Last evaluated: 2023-10-16. Review status: criteria provided, single submitter. Criteria: GeneDx Variant Classification Process June 2021. Collection method: clinical testing. Allele origin: germline. Affected: yes.
Comment: Not observed at significant frequency in large population cohorts (gnomAD); In silico analysis supports that this missense variant does not alter protein structure/function; Has not been previously published as pathogenic or benign to our knowledge